The following is an entry in ClinVar:

ClinVar aggregate classification (germline): Likely benign. Review status: reviewed by expert panel (3 of 4 stars). 3 submissions from 3 submitters: Likely benign (1). 2 of the submissions do not count toward it. Last evaluated 2017-06-29.

Conditions:
Hereditary cancer-predisposing syndrome. Also called: Tumor predisposition; Hereditary Cancer Syndrome; Hereditary neoplastic syndrome; Neoplastic Syndromes, Hereditary. Identifiers: Orphanet 140162, MedGen C0027672, MeSH D009386, MONDO:0015356.
Hereditary breast ovarian cancer syndrome. Also called: Hereditary breast and ovarian cancer; Breast and ovarian cancer; BRCA1- and BRCA2-Associated Hereditary Breast and Ovarian Cancer; Hereditary breast and ovarian cancer syndrome; Hereditary breast and ovarian cancer syndrome (HBOC); Hereditary breast and/or ovarian cancer syndrome. Identifiers: Orphanet 145, MedGen C0677776, MeSH D061325, MONDO:0003582. Disease mechanism: loss of function.
Breast-ovarian cancer, familial, susceptibility to, 2 (BROVCA2). Also called: BRCA2 Hereditary Breast and Ovarian Cancer. Identifiers: Orphanet 145, MedGen C2675520, MONDO:0012933, OMIM 612555. Disease mechanism: loss of function.

Submissions (3):

Evidence-based Network for the Interpretation of Germline Mutant Alleles (ENIGMA)
Classification: Likely benign for Breast-ovarian cancer, familial, susceptibility to, 2. Last evaluated: 2017-06-29. Review status: reviewed by expert panel. Criteria: ENIGMA BRCA1/2 Classification Criteria (2017-06-29). Collection method: curation. Allele origin: germline.
Comment: Synonymous substitution variant, with low bioinformatic likelihood to result in a splicing aberration (Splicing prior probability 0.02).

Labcorp Genetics (formerly Invitae), Labcorp
Classification: Likely benign for Hereditary breast ovarian cancer syndrome. Last evaluated: 2022-06-06. Review status: criteria provided, single submitter. Criteria: Invitae Variant Classification Sherloc (09022015). Collection method: clinical testing. Allele origin: germline. Not counted in ClinVar's aggregate classification.

Ambry Genetics
Classification: Likely benign for Hereditary cancer-predisposing syndrome. Last evaluated: 2021-04-13. Review status: criteria provided, single submitter. Criteria: Ambry Variant Classification Scheme 2023. Collection method: clinical testing. Allele origin: germline. Not counted in ClinVar's aggregate classification.

NM_000059.4(BRCA2):c.8742A>T (p.Pro2914=)

Gene: BRCA2 (BRCA2 DNA repair associated; plus strand). Cytogenetic location: 13q13.1.
Variant type: single nucleotide variant.
Coding change: c.8742A>T on transcript NM_000059.4 (MANE Select); coding-DNA position 8742, A replaced by T.
Protein change: p.Pro2914=; no amino-acid change (proline 2914 retained).
Molecular consequence: synonymous variant.
Genome position (GRCh38, 1-based): chr13:32,376,779, A>T. VCF-style: chr13-32376779-A-T. GRCh37 (hg19) VCF-style: chr13-32950916-A-T.
Identifiers: ClinVar variation 236921 (VCV000236921.14), dbSNP rs878853612, ClinGen allele CA10583145.